The following is an entry in ClinVar:

ClinVar aggregate classification (germline): Conflicting classifications of pathogenicity. Review status: criteria provided, conflicting classifications (1 of 4 stars). 5 submissions from 5 submitters: Uncertain significance (1); Benign (1); Likely benign (2). 1 of the submissions does not count toward it. Last evaluated 2026-01-27.

Conditions:
NAGS-related disorder. Also called: NAGS-related condition.
Hyperammonemia, type III (NAGSD). Also called: Hyperammonemia due to N-acetylglutamate synthase deficiency. Identifiers: Orphanet 927, MedGen C0268543, MONDO:0009377, OMIM 237310.

Allele frequency attached by ClinVar (database versions not stated): 1000 Genomes Project 0.00040; 1000 Genomes Project 30x 0.00047; gnomAD 0.00129 and 0.00134; TOPMed 0.00131; gnomAD exomes 0.00139 and 0.00190; ESP Exome Variant Server 0.00186; ExAC 0.00197.

Submissions (5):

Labcorp Genetics (formerly Invitae), Labcorp
Classification: Benign for Hyperammonemia, type III. Last evaluated: 2026-01-27. Review status: criteria provided, single submitter. Criteria: Invitae Variant Classification Sherloc (09022015). Collection method: clinical testing. Allele origin: germline.

Blueprint Genetics
Classification: Likely benign. Last evaluated: 2024-11-19. Review status: criteria provided, single submitter. Criteria: ACMG Guidelines, 2015. Collection method: clinical testing. Allele origin: germline.

GeneDx
Classification: Likely benign. Last evaluated: 2018-01-29. Review status: criteria provided, single submitter. Criteria: GeneDx Variant Classification (06012015). Collection method: clinical testing. Allele origin: germline. Affected: yes.
Comment: This variant is considered likely benign or benign based on one or more of the following criteria: it is a conservative change, it occurs at a poorly conserved position in the protein, it is predicted to be benign by multiple in silico algorithms, and/or has population frequency not consistent with disease.

Illumina Laboratory Services, Illumina
Classification: Uncertain significance for Hyperammonemia, type III. Last evaluated: 2018-01-13. Review status: criteria provided, single submitter. Criteria: ICSL Variant Classification Criteria 13 December 2019. Collection method: clinical testing. Allele origin: germline.

PreventionGenetics, part of Exact Sciences
Classification: Likely benign for NAGS-related condition. Last evaluated: 2023-01-11. Review status: no assertion criteria provided. Collection method: clinical testing. Allele origin: germline. Not counted in ClinVar's aggregate classification.
Comment: This variant is classified as likely benign based on ACMG/AMP sequence variant interpretation guidelines (Richards et al. 2015 PMID: 25741868, with internal and published modifications).

NM_153006.3(NAGS):c.612A>G (p.Val204=)

Gene: NAGS (N-acetylglutamate synthase; plus strand). Cytogenetic location: 17q21.31.
Variant type: single nucleotide variant.
Coding change: c.612A>G on transcript NM_153006.3 (MANE Select); coding-DNA position 612, A replaced by G.
Protein change: p.Val204=; no amino-acid change (valine 204 retained).
Molecular consequence: synonymous variant.
Genome position (GRCh38, 1-based): chr17:44,005,822, A>G. VCF-style: chr17-44005822-A-G. GRCh37 (hg19) VCF-style: chr17-42083190-A-G.
Identifiers: ClinVar variation 387973 (VCV000387973.19), dbSNP rs139907815, ClinGen allele CA8595176.